The following is an entry in ClinVar:

ClinVar aggregate classification (germline): Uncertain significance (1 of 4 stars; one submission).

Submission:

Ambry Genetics
Classification: Uncertain significance. Last evaluated: 2026-03-21. Review status: criteria provided, single submitter. Criteria: Ambry Variant Classification Scheme 2023. Collection method: clinical testing. Allele origin: germline.
Comment: The p.K764E variant (also known as c.2290A>G), located in coding exon 13 of the GEN1 gene, results from an A to G substitution at nucleotide position 2290. The lysine at codon 764 is replaced by glutamic acid, an amino acid with similar properties. This amino acid position is conserved. In addition, this alteration is predicted to be tolerated by in silico analysis. Based on the available evidence, the clinical significance of this variant remains unclear.

NM_001130009.3(GEN1):c.2290A>G (p.Lys764Glu)

Gene: GEN1 (GEN1 structure-specific endonuclease; plus strand). Cytogenetic location: 2p24.2.
Variant type: single nucleotide variant.
Coding change: c.2290A>G on transcript NM_001130009.3 (MANE Select); coding-DNA position 2290, A replaced by G.
Protein change: p.Lys764Glu; replaces lysine 764 with glutamic acid.
Molecular consequence: missense variant.
Genome position (GRCh38, 1-based): chr2:17,781,502, A>G. VCF-style: chr2-17781502-A-G. GRCh37 (hg19) VCF-style: chr2-17962769-A-G.
Other names: c.2290A>G, p.Lys764Glu (NM_182625.5); short protein forms K764E.
Identifiers: ClinVar variation 4857941 (VCV004857941.1).
Genomic context (GRCh38, chr2:17,781,502, plus strand): 5'-CTTCAAGAAGACTATAAAGTCAATACTTCTGTCCCTTATTCTGTCAGTAACACAGTGGTA[A>G]AGACCTGCAATGTTAGACCACCAAATACTGCTTTAGATCATAGTAGAAAAGTTGATATGC-3'
Protein context (NP_001123481.3, residues 754-774): VPYSVSNTVV[Lys764Glu]TCNVRPPNTA